The following is an entry in ClinVar:

NM_002296.4(LBR):c.963C>T (p.Tyr321=)

Gene: LBR (lamin B receptor; minus strand). Cytogenetic location: 1q42.12.
Variant type: single nucleotide variant.
Coding change: c.963C>T on transcript NM_002296.4 (MANE Select); coding-DNA position 963, C replaced by T.
Protein change: p.Tyr321=; no amino-acid change (tyrosine 321 retained).
Molecular consequence: synonymous variant.
Genome position (GRCh38, 1-based): chr1:225,412,575, G>A on the plus strand (C>T on the coding strand, the complement: LBR is on the minus strand). VCF-style: chr1-225412575-G-A. GRCh37 (hg19) VCF-style: chr1-225600277-G-A.
Other names: c.963C>T, p.Tyr321= (NM_194442.3).
Identifiers: ClinVar variation 757427 (VCV000757427.13), dbSNP rs369961062, ClinGen allele CA1417273.

ClinVar aggregate classification (germline): Likely benign. Review status: criteria provided, multiple submitters, no conflicts (2 of 4 stars). 4 submissions from 4 submitters: Likely benign (3). 1 of the submissions does not count toward it. Last evaluated 2025-06-27.

Conditions:
LBR-related disorder. Also called: LBR-related disorders; LBR-related condition.

Allele frequency attached by ClinVar (database versions not stated): ESP Exome Variant Server 0.00008; gnomAD exomes 0.00013 and 0.00018; ExAC 0.00015; gnomAD 0.00015 and 0.00017; TOPMed 0.00015.
gnomAD v4.1: 289 of 1,612,790 alleles (0.018%); highest among the groups gnomAD compares: Non-Finnish European, 0.021%; no homozygotes.

Submissions (4):

Labcorp Genetics (formerly Invitae), Labcorp
Classification: Likely benign. Last evaluated: 2025-06-27. Review status: criteria provided, single submitter. Criteria: Invitae Variant Classification Sherloc (09022015). Collection method: clinical testing. Allele origin: germline.

Blueprint Genetics
Classification: Likely benign. Last evaluated: 2024-09-16. Review status: criteria provided, single submitter. Criteria: ACMG Guidelines, 2015. Collection method: clinical testing. Allele origin: germline.

GeneDx
Classification: Likely benign. Last evaluated: 2019-11-27. Review status: criteria provided, single submitter. Criteria: GeneDx Variant Classification Process June 2021. Collection method: clinical testing. Allele origin: germline. Affected: yes.

PreventionGenetics, part of Exact Sciences
Classification: Likely benign for LBR-related condition. Last evaluated: 2019-06-18. Review status: no assertion criteria provided. Collection method: clinical testing. Allele origin: germline. Not counted in ClinVar's aggregate classification.
Comment: This variant is classified as likely benign based on ACMG/AMP sequence variant interpretation guidelines (Richards et al. 2015 PMID: 25741868, with internal and published modifications).